The following is an entry in ClinVar:

NM_000080.4(CHRNE):c.1077G>A (p.Pro359=)

Genes: CHRNE (cholinergic receptor nicotinic epsilon subunit; minus strand), LOC130060041 (ATAC-STARR-seq lymphoblastoid silent region 8050; plus strand). Cytogenetic location: 17p13.2.
Variant type: single nucleotide variant.
Coding change: c.1077G>A on transcript NM_000080.4 (MANE Select); coding-DNA position 1077, G replaced by A.
Protein change: p.Pro359=; no amino-acid change (proline 359 retained).
Molecular consequence: synonymous variant.
Genome position (GRCh38, 1-based): chr17:4,899,340, C>T on the plus strand (G>A on the coding strand, the complement: CHRNE is on the minus strand). VCF-style: chr17-4899340-C-T. GRCh37 (hg19) VCF-style: chr17-4802635-C-T.
Identifiers: ClinVar variation 3069052 (VCV003069052.2), dbSNP rs907495464, ClinGen allele CA497676204.

ClinVar aggregate classification (germline): Likely benign (1 of 4 stars; one submission).

gnomAD v4.1: 2 of 1,547,314 alleles (0.00013%); highest among the groups gnomAD compares: South Asian, 0.0012%; no homozygotes.

Submission:

Women's Health and Genetics/Laboratory Corporation of America, LabCorp
Classification: Likely benign. Last evaluated: 2024-02-21. Review status: criteria provided, single submitter. Criteria: LabCorp Variant Classification Summary - May 2015. Collection method: clinical testing. Allele origin: germline.
Comment: Variant summary: CHRNE c.1077G>A alters a non-conserved nucleotide resulting in a synonymous change. Consensus agreement among computation tools predict no significant impact on normal splicing. However, these predictions have yet to be confirmed by functional studies.The variant was absent in 146580 control chromosomes (gnomAD). The available data on variant occurrences in the general population are insufficient to allow any conclusion about variant significance. To our knowledge, no occurrence of c.1077G>A in individuals affected with Congenital Myasthenic Syndrome and no experimental evidence demonstrating its impact on protein function have been reported. No submitters have cited clinical-significance assessments for this variant to ClinVar. Based on the evidence outlined above, the variant was classified as likely benign.